The following is an entry in ClinVar:

NM_000136.3(FANCC):c.228del (p.Cys75_Trp76insTer)

Gene: FANCC (FA complementation group C; minus strand). Cytogenetic location: 9q22.32.
Variant type: Deletion.
Coding change: c.228del on transcript NM_000136.3 (MANE Select); coding-DNA position 228, one base deleted (G; older notation c.228delG).
Protein change: p.Cys75_Trp76insTer.
Molecular consequence: nonsense.
Genome position (GRCh38, 1-based): chr9:95,247,454, C deleted on the plus strand (G on the coding strand, the reverse complement: FANCC is on the minus strand); the first of 2 consecutive C bases (chr9:95,247,454-95,247,455); deleting either gives the same sequence. VCF-style (leftmost placement, unchanged base first): chr9-95247453-TC-T. GRCh37 (hg19) VCF-style: chr9-98009735-TC-T.
Other names: c.228del, p.Cys75_Trp76insTer (NM_001243743.2, NM_001243744.2).
Identifiers: ClinVar variation 1072466 (VCV001072466.7), dbSNP rs2136090829, ClinGen allele CA2499220015.
Genomic context (GRCh38, chr9:95,247,453, plus strand): 5'-AAAATAGCCATTTTGAGAGGACACGTTTTTGATTCTTACCATATGCTAAAATAAAAGGAT[TC>T]CAACAAGCTTTTGCCAACAGTTGACCAATTGTGGGGAATCTTTCAATGACTGTATTAGAA-3'

ClinVar aggregate classification (germline): Pathogenic (1 of 4 stars; one submission).

Conditions:
Fanconi anemia (FA). Also called: Fanconi's anemia. Identifiers: Orphanet 84, MedGen C0015625, MeSH D005199, MONDO:0019391.

Submission:

Labcorp Genetics (formerly Invitae), Labcorp
Classification: Pathogenic for Fanconi anemia. Last evaluated: 2020-04-19. Review status: criteria provided, single submitter. Criteria: Invitae Variant Classification Sherloc (09022015). Collection method: clinical testing. Allele origin: germline.
Comment: For these reasons, this variant has been classified as Pathogenic. Loss-of-function variants in FANCC are known to be pathogenic (PMID: 17924555). This variant has not been reported in the literature in individuals with FANCC-related conditions. This variant is not present in population databases (ExAC no frequency). This sequence change creates a premature translational stop signal (p.Trp76*) in the FANCC gene. It is expected to result in an absent or disrupted protein product.

Literature cited by the submitters: PubMed 17924555.